The following is an entry in ClinVar:

NM_024306.5(FA2H):c.507-64del

Gene: FA2H (fatty acid 2-hydroxylase; minus strand). Cytogenetic location: 16q23.1.
Variant type: Deletion.
Coding change: c.507-64del on transcript NM_024306.5 (MANE Select); 64 bases into the intron before coding-DNA position 507, one base deleted (A; older notation c.507-64delA).
Molecular consequence: intron variant.
Genome position (GRCh38, 1-based): chr16:74,726,395, T deleted on the plus strand (A on the coding strand, the reverse complement: FA2H is on the minus strand); the first of 11 consecutive T bases (chr16:74,726,395-74,726,405); deleting any one gives the same sequence. VCF-style (leftmost placement, unchanged base first): chr16-74726394-CT-C. GRCh37 (hg19) VCF-style: chr16-74760292-CT-C.
Identifiers: ClinVar variation 1233434 (VCV001233434.5), dbSNP rs11295057, ClinGen allele CA283765868.

ClinVar aggregate classification (germline): Benign. Review status: criteria provided, multiple submitters, no conflicts (2 of 4 stars). 2 submissions from 2 submitters: Benign (2). Last evaluated 2024-07-31.

Submissions (2):

Unidad de Genómica Garrahan, Hospital de Pediatría Garrahan
Classification: Benign. Last evaluated: 2024-07-31. Review status: criteria provided, single submitter. Criteria: ACMG Guidelines, 2015. Collection method: clinical testing. Allele origin: germline. Affected: no. Observed: 79 variant alleles.
Comment: This variant is classified as Benign based on local population frequency. This variant was detected in 85% of patients studied in a panel designed for Epileptic and Developmental Encephalopathy, Progressive Myoclonus Epilepsy and Abnormal Movements and Neurodegeneration with brain iron accumulation. Number of patients: 79. Only high quality variants are reported.

GeneDx
Classification: Benign. Last evaluated: 2019-08-18. Review status: criteria provided, single submitter. Criteria: GeneDx Variant Classification Process June 2021. Collection method: clinical testing. Allele origin: germline. Affected: yes.